The following is an entry in ClinVar:

ClinVar aggregate classification (germline): Uncertain significance (1 of 4 stars; one submission).

gnomAD v4.1: 1 of 1,614,146 alleles (0.000062%); highest among the groups gnomAD compares: Non-Finnish European, 0.000085%; no homozygotes.

Submission:

GeneDx
Classification: Uncertain significance. Last evaluated: 2021-06-18. Review status: criteria provided, single submitter. Criteria: GeneDx Variant Classification Process June 2021. Collection method: clinical testing. Allele origin: germline. Affected: yes.
Comment: Has not been previously published as pathogenic or benign to our knowledge; Not observed at significant frequency in large population cohorts (Lek et al., 2016); In silico analysis supports that this missense variant does not alter protein structure/function; This variant is associated with the following publications: (PMID: 27535533)

NM_001128225.3(SLC39A13):c.169G>C (p.Gly57Arg)

Gene: SLC39A13 (solute carrier family 39 member 13; plus strand). Cytogenetic location: 11p11.2.
Variant type: single nucleotide variant.
Coding change: c.169G>C on transcript NM_001128225.3 (MANE Select); coding-DNA position 169, G replaced by C.
Protein change: p.Gly57Arg; replaces glycine 57 with arginine.
Molecular consequence: missense variant. On other transcripts: non-coding transcript variant (1).
Genome position (GRCh38, 1-based): chr11:47,410,263, G>C. VCF-style: chr11-47410263-G-C. GRCh37 (hg19) VCF-style: chr11-47431814-G-C.
Other names: c.169G>C, p.Gly57Arg (NM_001330245.2, NM_152264.5); short protein forms G57R.
Identifiers: ClinVar variation 1328827 (VCV001328827.2), dbSNP rs2153291239, ClinGen allele CA380309239.